The following is an entry in ClinVar:

ClinVar aggregate classification (germline): Uncertain significance (1 of 4 stars; one submission).

Conditions:
Polyhydramnios, megalencephaly, and symptomatic epilepsy (PMSE). Also called: PMSE SYNDROME. Identifiers: Orphanet 500533, MedGen C1970203, MONDO:0012611, OMIM 611087.

Submission:

Labcorp Genetics (formerly Invitae), Labcorp
Classification: Uncertain significance for Polyhydramnios, megalencephaly, and symptomatic epilepsy. Last evaluated: 2022-12-02. Review status: criteria provided, single submitter. Criteria: Invitae Variant Classification Sherloc (09022015). Collection method: clinical testing. Allele origin: germline.
Comment: ClinVar contains an entry for this variant (Variation ID: 839474). This variant has not been reported in the literature in individuals affected with STRADA-related conditions. This variant is not present in population databases (gnomAD no frequency). This sequence change replaces proline, which is neutral and non-polar, with leucine, which is neutral and non-polar, at codon 306 of the STRADA protein (p.Pro306Leu). In summary, the available evidence is currently insufficient to determine the role of this variant in disease. Therefore, it has been classified as a Variant of Uncertain Significance. Algorithms developed to predict the effect of missense changes on protein structure and function are either unavailable or do not agree on the potential impact of this missense change (SIFT: "Deleterious"; PolyPhen-2: "Benign"; Align-GVGD: "Class C0").

NM_001003787.4(STRADA):c.917C>T (p.Pro306Leu)

Gene: STRADA (STE20 related adaptor alpha; minus strand). Cytogenetic location: 17q23.3.
Variant type: single nucleotide variant.
Coding change: c.917C>T on transcript NM_001003787.4 (MANE Select); coding-DNA position 917, C replaced by T.
Protein change: p.Pro306Leu; replaces proline 306 with leucine.
Molecular consequence: missense variant. On other transcripts: non-coding transcript variant (1).
Genome position (GRCh38, 1-based): chr17:63,704,524, G>A on the plus strand (C>T on the coding strand, the complement: STRADA is on the minus strand). VCF-style: chr17-63704524-G-A. GRCh37 (hg19) VCF-style: chr17-61781884-G-A.
Other names: c.806C>T, p.Pro269Leu (NM_001003786.3, NM_001363789.1, NM_153335.6); c.743C>T, p.Pro248Leu (NM_001003788.3, NM_001363790.1, NM_001363791.1); c.830C>T, p.Pro277Leu (NM_001165969.2, NM_001363787.1); c.785C>T, p.Pro262Leu (NM_001165970.2); c.893C>T, p.Pro298Leu (NM_001363786.1); c.917C>T, p.Pro306Leu (NM_001363788.1); short protein forms P262L, P298L, P248L, P269L, P277L, P306L.
Identifiers: ClinVar variation 839474 (VCV000839474.9), dbSNP rs2035942888, ClinGen allele CA400588363.